The following is an entry in ClinVar:

NC_000004.12:g.1394874G>A

Genes: CRIPAK (cysteine rich PAK1 inhibitor; plus strand), UVSSA (UV stimulated scaffold protein A; plus strand), LOC126806945 (P300/CBP strongly-dependent group 1 enhancer GRCh37_chr4:1388225-1389424; plus strand). Cytogenetic location: 4p16.3.
Variant type: single nucleotide variant.
Genome position: GRCh38 VCF-style: chr4-1394874-G-A. GRCh37 (hg19) VCF-style: chr4-1388662-G-A.
Identifiers: ClinVar variation 3388755 (VCV003388755.14).
Genomic context (GRCh38, chr4:1,394,874, plus strand): 5'-CATGTGGAGTGCCCGCCTGCTCACGTGCCCATGTGGAGTGCCCGCCTGCTCACACGTGCC[G>A]ATGCGGAGTGCCCGCCTGCTCACACGTGCCCATGCGGAGTGCCCGCCTGCTCACACGTGC-3'

ClinVar aggregate classification (germline): Likely benign (1 of 4 stars; one submission).

gnomAD v4.1: 16 of 1,399,056 alleles (0.0011%); highest among the groups gnomAD compares: Middle Eastern, 0.021%; no homozygotes.

Submission:

CeGaT Center for Human Genetics Tuebingen
Classification: Likely benign. Last evaluated: 2024-10-01. Review status: criteria provided, single submitter. Criteria: CeGaT Center For Human Genetics Tuebingen Variant Classification Criteria Version 2. Collection method: clinical testing. Allele origin: germline. Affected: yes. Observed: 1 variant allele.
Comment: CRIPAK: BP4, BP7